The following is an entry in ClinVar:

NM_006949.4(STXBP2):c.1079C>T (p.Ser360Leu)

Gene: STXBP2 (syntaxin binding protein 2; plus strand). Cytogenetic location: 19p13.2.
Variant type: single nucleotide variant.
Coding change: c.1079C>T on transcript NM_006949.4 (MANE Select); coding-DNA position 1079, C replaced by T.
Protein change: p.Ser360Leu; replaces serine 360 with leucine.
Molecular consequence: missense variant.
Genome position (GRCh38, 1-based): chr19:7,643,217, C>T. VCF-style: chr19-7643217-C-T. GRCh37 (hg19) VCF-style: chr19-7708103-C-T.
Other names: c.1070C>T, p.Ser357Leu (NM_001127396.3); c.1112C>T, p.Ser371Leu (NM_001272034.2); short protein forms S357L, S360L, S371L.
Identifiers: ClinVar variation 1371845 (VCV001371845.3), dbSNP rs779452337, ClinGen allele CA9143960.

ClinVar aggregate classification (germline): Uncertain significance (1 of 4 stars; one submission).

Conditions:
Familial hemophagocytic lymphohistiocytosis 5. Also called: STXBP2-Related Familial Hemophagocytic Lymphohistiocytosis (STXBP2-fHLH). Identifiers: Orphanet 540, MedGen C2751293, MONDO:0013135, OMIM 613101.

Allele frequency attached by ClinVar (database versions not stated): gnomAD 0.00002; gnomAD exomes 0.00002 and 0.00003; TOPMed 0.00002; ExAC 0.00003.
gnomAD v4.1: 27 of 1,613,588 alleles (0.0017%); highest among the groups gnomAD compares: Non-Finnish European, 0.002%; no homozygotes.

Submission:

Labcorp Genetics (formerly Invitae), Labcorp
Classification: Uncertain significance for Familial hemophagocytic lymphohistiocytosis 5. Last evaluated: 2021-09-27. Review status: criteria provided, single submitter. Criteria: Invitae Variant Classification Sherloc (09022015). Collection method: clinical testing. Allele origin: germline.
Comment: This sequence change replaces serine with leucine at codon 360 of the STXBP2 protein (p.Ser360Leu). The serine residue is moderately conserved and there is a large physicochemical difference between serine and leucine. This variant is present in population databases (rs779452337, ExAC 0.006%). This variant has not been reported in the literature in individuals affected with STXBP2-related conditions. Algorithms developed to predict the effect of missense changes on protein structure and function (SIFT, PolyPhen-2, Align-GVGD) all suggest that this variant is likely to be tolerated. In summary, the available evidence is currently insufficient to determine the role of this variant in disease. Therefore, it has been classified as a Variant of Uncertain Significance.